The following is an entry in ClinVar:

ClinVar aggregate classification (germline): Pathogenic. Review status: criteria provided, multiple submitters, no conflicts (2 of 4 stars). 2 submissions from 2 submitters: Pathogenic (2). Last evaluated 2024-10-18.

Conditions:
Long QT syndrome (LQTS). Identifiers: MedGen C0023976, MeSH D008133, MONDO:0002442. Disease mechanism: loss of function. Inheritance: Various modes of inheritance.
Cardiovascular phenotype. Identifiers: MedGen CN230736.

Submissions (2):

Labcorp Genetics (formerly Invitae), Labcorp
Classification: Pathogenic for Long QT syndrome. Last evaluated: 2024-10-18. Review status: criteria provided, single submitter. Criteria: Invitae Variant Classification Sherloc (09022015). Collection method: clinical testing. Allele origin: germline.
Comment: This sequence change creates a premature translational stop signal (p.Ser304Thrfs*58) in the KCNH2 gene. It is expected to result in an absent or disrupted protein product. Loss-of-function variants in KCNH2 are known to be pathogenic (PMID: 10973849, 19862833). This variant is not present in population databases (gnomAD no frequency). This variant has not been reported in the literature in individuals affected with KCNH2-related conditions. ClinVar contains an entry for this variant (Variation ID: 519237). For these reasons, this variant has been classified as Pathogenic.

Ambry Genetics
Classification: Pathogenic for Cardiovascular phenotype. Last evaluated: 2016-04-07. Review status: criteria provided, single submitter. Criteria: Ambry Variant Classification Scheme 2023. Collection method: clinical testing. Allele origin: germline.
Comment: The c.906_910dupCGCCA pathogenic mutation, located in coding exon 4 of the KCNH2 gene, results from a duplication of CGCCA at nucleotide position 906, causing a translational frameshift with a predicted alternate stop codon (p.S304Tfs*58). Since frameshifts are typically deleterious in nature, this alteration is interpreted as a disease-causing mutation (ACMG Recommendations for Standards for Interpretation and Reporting of Sequence Variations. Revision 2007. Genet Med. 2008;10:294).

Literature cited by the submitters: PubMed 10973849 (cited by Labcorp Genetics (formerly Invitae), Labcorp); PubMed 19862833 (cited by Labcorp Genetics (formerly Invitae), Labcorp).

NM_000238.4(KCNH2):c.906_910dup (p.Ser304fs)

Gene: KCNH2 (potassium voltage-gated channel subfamily H member 2; minus strand). Cytogenetic location: 7q36.1.
Variant type: Microsatellite.
Coding change: c.906_910dup on transcript NM_000238.4 (MANE Select); coding-DNA positions 906 to 910, 5 bases duplicated (CGCCA; older notation c.906_910dupCGCCA).
Protein change: p.Ser304fs; shifts the reading frame from serine 304.
Molecular consequence: frameshift variant.
Genome position (GRCh38, 1-based): chr7:150,958,065-150,958,069, TGGCG duplicated on the plus strand (CGCCA on the coding strand, the reverse complement: KCNH2 is on the minus strand); duplicating any 5 consecutive bases within chr7:150,958,065-150,958,074 gives the same sequence; the c. name uses the placement nearest the transcript's 3' end. VCF-style (leftmost placement, unchanged base first): chr7-150958064-C-CTGGCG. GRCh37 (hg19) VCF-style: chr7-150655152-C-CTGGCG.
Other names: c.906_910dup (NM_000238.3); c.613_617CGCCA[3], p.Ser208Thrfs (NM_001406753.1, NM_001406756.1); c.724_728CGCCA[3], p.Ser245Thrfs (NM_001406755.1); c.601_605CGCCA[3], p.Ser204Thrfs (NM_001406757.1); c.901_905CGCCA[3], p.Ser304Thrfs (NM_172056.3); short protein forms S304fs.
Identifiers: ClinVar variation 519237 (VCV000519237.14), dbSNP rs1554427596, ClinGen allele CA658797044.
Genomic context (GRCh38, chr7:150,958,064, plus strand): 5'-CCTGGCAGCAGAAGAAGCGTGGGCTGGGGCGGAACGGGTCCCGCGGCGCCCTCACCGGTG[C>CTGGCG]TGGCGTGGCGCGGTGGCGGGGGCAGCACCCCGGCGCGCATGGCCTCGATGTCGTCGGCCG-3'